The following is an entry in ClinVar:

ClinVar aggregate classification (germline): Uncertain significance (1 of 4 stars; one submission).

Conditions:
Cardiovascular phenotype. Identifiers: MedGen CN230736.

Allele frequency attached by ClinVar (database versions not stated): gnomAD 0.00001.
gnomAD v4.1: 1 of 1,613,916 alleles (0.000062%); highest among the groups gnomAD compares: Non-Finnish European, 0.000085%; no homozygotes.

Submission:

Ambry Genetics
Classification: Uncertain significance for Cardiovascular phenotype. Last evaluated: 2023-11-14. Review status: criteria provided, single submitter. Criteria: Ambry Variant Classification Scheme 2023. Collection method: clinical testing. Allele origin: germline.
Comment: The p.T879I variant (also known as c.2636C>T), located in coding exon 11 of the MYPN gene, results from a C to T substitution at nucleotide position 2636. The threonine at codon 879 is replaced by isoleucine, an amino acid with similar properties. This amino acid position is conserved. In addition, this alteration is predicted to be tolerated by in silico analysis. Since supporting evidence is limited at this time, the clinical significance of this alteration remains unclear.

NM_032578.4(MYPN):c.2636C>T (p.Thr879Ile)

Gene: MYPN (myopalladin; plus strand). Cytogenetic location: 10q21.3.
Variant type: single nucleotide variant.
Coding change: c.2636C>T on transcript NM_032578.4 (MANE Select); coding-DNA position 2636, C replaced by T.
Protein change: p.Thr879Ile; replaces threonine 879 with isoleucine.
Molecular consequence: missense variant. On other transcripts: non-coding transcript variant (1).
Genome position (GRCh38, 1-based): chr10:68,175,394, C>T. VCF-style: chr10-68175394-C-T. GRCh37 (hg19) VCF-style: chr10-69935151-C-T.
Other names: c.2636C>T, p.Thr879Ile (NM_001256267.2); c.1754C>T, p.Thr585Ile (NM_001256268.2); short protein forms T585I, T879I.
Identifiers: ClinVar variation 3228163 (VCV003228163.1), dbSNP rs2043212027, ClinGen allele CA376849161.